The following is an entry in ClinVar:

NM_000094.4(COL7A1):c.6619-2A>T

Gene: COL7A1 (collagen type VII alpha 1 chain; minus strand). Cytogenetic location: 3p21.31.
Variant type: single nucleotide variant.
Coding change: c.6619-2A>T on transcript NM_000094.4 (MANE Select); the canonical splice acceptor site of the intron before coding-DNA position 6619, A replaced by T.
Molecular consequence: splice acceptor variant.
Genome position (GRCh38, 1-based): chr3:48,573,350, T>A on the plus strand (A>T on the coding strand, the complement: COL7A1 is on the minus strand). VCF-style: chr3-48573350-T-A. GRCh37 (hg19) VCF-style: chr3-48610783-T-A.
Other names: c.6619-2A>T (NM_000094.3).
Identifiers: ClinVar variation 2734508 (VCV002734508.4), dbSNP rs1560210381, ClinGen allele CA352656209.

ClinVar aggregate classification (germline): Pathogenic/Likely pathogenic. Review status: criteria provided, multiple submitters, no conflicts (2 of 4 stars). 2 submissions from 2 submitters: Pathogenic (1); Likely pathogenic (1). Last evaluated 2025-12-22.

Conditions:
Epidermolysis bullosa dystrophica. Also called: Dystrophic epidermolysis bullosa; Dystrophic epidermolysis bullosa, Hallopeau-Siemens type (formerly). Identifiers: Orphanet 303, MedGen C0079294, MONDO:0006543.

gnomAD v4.1: 1 of 1,613,958 alleles (0.000062%); no homozygotes.

Submissions (2):

Natera, Inc.
Classification: Likely pathogenic for Dystrophic epidermolysis bullosa. Last evaluated: 2025-12-22. Review status: criteria provided, single submitter. Criteria: Natera Variant Classification Schema (03/2026). Collection method: clinical testing. Allele origin: germline.
Comment: The c.6619-2A>T variant in COL7A1 is a canonical splice acceptor site variant predicted to affect pre-mRNA splicing, which may result in an abnormal transcript and altered protein product. This variant is expected to result in nonsense mediated decay, truncation, or a dysfunctional protein product. This variant is rare in the general population with a frequency below the threshold expected for the associated phenotype(s). This variant has been observed in one or more individuals affected with the associated recessive disease, as either homozygous or compound heterozygous with a second variant (PMID: 8618018). Given the available evidence, this variant is classified as Likely Pathogenic.

Labcorp Genetics (formerly Invitae), Labcorp
Classification: Pathogenic. Last evaluated: 2023-01-28. Review status: criteria provided, single submitter. Criteria: Invitae Variant Classification Sherloc (09022015). Collection method: clinical testing. Allele origin: germline.
Comment: For these reasons, this variant has been classified as Pathogenic. Algorithms developed to predict the effect of sequence changes on RNA splicing suggest that this variant may disrupt the consensus splice site. Disruption of this splice site has been observed in individual(s) with autosomal recessive dystrophic epidermolysis bullosa (PMID: 8618018, 16971478). In at least one individual the data is consistent with being in trans (on the opposite chromosome) from a pathogenic variant. This variant is not present in population databases (gnomAD no frequency). This sequence change affects an acceptor splice site in intron 82 of the COL7A1 gene. It is expected to disrupt splicing. Variants that disrupt the donor or acceptor splice site typically lead to a loss of protein function (PMID: 16199547), and loss-of-function variants in COL7A1 are known to be disease-causing for autosomal recessive dystrophic epidermolysis bullosa (PMID: 16971478). However, certain variants affecting donor or acceptor splice sites in the triple helical domain of COL7A1 are expected to result in in-frame exon skipping and have been reported to cause autosomal dominant dystrophic epidermolysis bullosa (PMID: 31670143).

Literature cited by the submitters: PubMed 8618018 (cited by Natera, Inc. and Labcorp Genetics (formerly Invitae), Labcorp); PubMed 16971478 (cited by Labcorp Genetics (formerly Invitae), Labcorp); PubMed 16199547 (cited by Labcorp Genetics (formerly Invitae), Labcorp); PubMed 31670143 (cited by Labcorp Genetics (formerly Invitae), Labcorp).